The following is an entry in ClinVar:

NM_014408.5(TRAPPC3):c.475G>A (p.Gly159Ser)

Gene: TRAPPC3 (trafficking protein particle complex subunit 3; minus strand). Cytogenetic location: 1p34.3.
Variant type: single nucleotide variant.
Coding change: c.475G>A on transcript NM_014408.5 (MANE Select); coding-DNA position 475, G replaced by A.
Protein change: p.Gly159Ser; replaces glycine 159 with serine.
Molecular consequence: missense variant. On other transcripts: non-coding transcript variant (2).
Genome position (GRCh38, 1-based): chr1:36,137,271, C>T on the plus strand (G>A on the coding strand, the complement: TRAPPC3 is on the minus strand). VCF-style: chr1-36137271-C-T. GRCh37 (hg19) VCF-style: chr1-36602872-C-T.
Other names: c.499G>A, p.Gly167Ser (NM_001270894.2); c.337G>A, p.Gly113Ser (NM_001270895.2, NM_001270896.2); c.277G>A, p.Gly93Ser (NM_001270897.2); c.475G>A (NM_014408.3); short protein forms G159S, G167S, G113S, G93S.
Identifiers: ClinVar variation 2989742 (VCV002989742.4), dbSNP rs761683426, ClinGen allele CA765235.
Genomic context (GRCh38, chr1:36,137,271, plus strand): 5'-CTCCAGCTGGAAGATTGTCCTCAATCCGCCTGATGAATCTCATCCGGATTTCTGTCACAC[C>T]GTCTCCTTTCAGGGTGTCCTGGACAAACTTGGCCTCCACAGCCATCTGGACCTGGGGGAC-3'
Protein context (NP_055223.1, residues 149-169): KFVQDTLKGD[Gly159Ser]VTEIRMRFIR

ClinVar aggregate classification (germline): Uncertain significance. Review status: criteria provided, multiple submitters, no conflicts (2 of 4 stars). 2 submissions from 2 submitters: Uncertain significance (2). Last evaluated 2025-12-09.

Allele frequency attached by ClinVar (database versions not stated): ExAC 0.00001; gnomAD exomes 0.00001; gnomAD 0.00002; TOPMed 0.00003.
gnomAD v4.1: 18 of 1,613,234 alleles (0.0011%); highest among the groups gnomAD compares: Admixed American, 0.005%; no homozygotes.

Submissions (2):

Ambry Genetics
Classification: Uncertain significance. Last evaluated: 2025-12-09. Review status: criteria provided, single submitter. Criteria: Ambry Variant Classification Scheme 2023. Collection method: clinical testing. Allele origin: germline.

Labcorp Genetics (formerly Invitae), Labcorp
Classification: Uncertain significance. Last evaluated: 2023-05-09. Review status: criteria provided, single submitter. Criteria: Invitae Variant Classification Sherloc (09022015). Collection method: clinical testing. Allele origin: germline.
Comment: This sequence change replaces glycine, which is neutral and non-polar, with serine, which is neutral and polar, at codon 167 of the TRAPPC3 protein (p.Gly167Ser). This variant is present in population databases (rs761683426, gnomAD 0.005%). In summary, the available evidence is currently insufficient to determine the role of this variant in disease. Therefore, it has been classified as a Variant of Uncertain Significance. Algorithms developed to predict the effect of missense changes on protein structure and function output the following: SIFT: "Not Available"; PolyPhen-2: "Not Available"; Align-GVGD: "Not Available". The serine amino acid residue is found in multiple mammalian species, which suggests that this missense change does not adversely affect protein function. This variant has not been reported in the literature in individuals affected with TRAPPC3-related conditions.